The following is an entry in ClinVar:

NM_003001.5(SDHC):c.22C>T (p.His8Tyr)

Gene: SDHC (succinate dehydrogenase complex subunit C; plus strand). Cytogenetic location: 1q23.3.
Variant type: single nucleotide variant.
Coding change: c.22C>T on transcript NM_003001.5 (MANE Select); coding-DNA position 22, C replaced by T.
Protein change: p.His8Tyr; replaces histidine 8 with tyrosine.
Molecular consequence: missense variant. On other transcripts: 5 prime UTR variant (2), non-coding transcript variant (1), intron variant (4).
Genome position (GRCh38, 1-based): chr1:161,323,615, C>T. VCF-style: chr1-161323615-C-T. GRCh37 (hg19) VCF-style: chr1-161293405-C-T.
Other names: c.22C>T, p.His8Tyr (NM_001035511.3, NM_001035512.3, NM_001278172.3 and 2 more transcripts); c.-90C>T (NM_001407119.1); c.-208C>T (NM_001407120.1); c.21-4781C>T (NM_001407116.1, NM_001407121.1, NM_001407117.1); c.20+9190C>T (NM_001035513.3); short protein forms H8Y.
Identifiers: ClinVar variation 465965 (VCV000465965.13), dbSNP rs746666691, ClinGen allele CA046597.

ClinVar aggregate classification (germline): Uncertain significance. Review status: criteria provided, multiple submitters, no conflicts (2 of 4 stars). 2 submissions from 2 submitters: Uncertain significance (2). Last evaluated 2025-10-28.

Conditions:
Hereditary cancer-predisposing syndrome. Also called: Tumor predisposition; Hereditary neoplastic syndrome; Neoplastic Syndromes, Hereditary; Hereditary Cancer Syndrome. Identifiers: Orphanet 140162, MedGen C0027672, MeSH D009386, MONDO:0015356.
Pheochromocytoma/paraganglioma syndrome 3. Also called: SDHC-Related Hereditary Paraganglioma-Pheochromocytoma Syndrome (Paragangliomas 3); GLOMUS TUMORS, FAMILIAL, 3; SDHC-Related Hereditary Paraganglioma-Pheochromocytoma Syndrome; Paragangliomas 3. Identifiers: Orphanet 29072, MedGen C1854336, MONDO:0011544, OMIM 605373.
Gastrointestinal stromal tumor. Also called: Gastrointestinal stroma tumor; Gastrointestinal stromal tumor, somatic. Identifiers: Orphanet 44890, MedGen C0238198, MeSH D046152, MONDO:0011719, OMIM 606764, HP:0100723.

Allele frequency attached by ClinVar (database versions not stated): TOPMed below 0.00001.

Submissions (2):

Labcorp Genetics (formerly Invitae), Labcorp
Classification: Uncertain significance for Pheochromocytoma/paraganglioma syndrome 3; Gastrointestinal stromal tumor. Last evaluated: 2025-10-28. Review status: criteria provided, single submitter. Criteria: Invitae Variant Classification Sherloc (09022015). Collection method: clinical testing. Allele origin: germline.
Comment: This sequence change replaces histidine, which is basic and polar, with tyrosine, which is neutral and polar, at codon 8 of the SDHC protein (p.His8Tyr). This variant is present in population databases (rs746666691, gnomAD 0.0009%). This variant has not been reported in the literature in individuals affected with SDHC-related conditions. ClinVar contains an entry for this variant (Variation ID: 465965). An algorithm developed to predict the effect of missense changes on protein structure and function outputs the following: PolyPhen-2: "Benign". The tyrosine amino acid residue is found in multiple mammalian species, which suggests that this missense change does not adversely affect protein function. In summary, the available evidence is currently insufficient to determine the role of this variant in disease. Therefore, it has been classified as a Variant of Uncertain Significance.

Ambry Genetics
Classification: Uncertain significance for Hereditary cancer-predisposing syndrome. Last evaluated: 2024-11-08. Review status: criteria provided, single submitter. Criteria: Ambry Variant Classification Scheme 2023. Collection method: clinical testing. Allele origin: germline.
Comment: The p.H8Y variant (also known as c.22C>T), located in coding exon 2 of the SDHC gene, results from a C to T substitution at nucleotide position 22. The histidine at codon 8 is replaced by tyrosine, an amino acid with similar properties. This amino acid position is well conserved in available vertebrate species. In addition, the in silico prediction for this alteration is inconclusive. Based on the available evidence, the clinical significance of this variant remains unclear.